The following is an entry in ClinVar:

NM_000368.5(TSC1):c.1439-7C>A

Gene: TSC1 (TSC complex subunit 1; minus strand). Cytogenetic location: 9q34.13.
Variant type: single nucleotide variant.
Coding change: c.1439-7C>A on transcript NM_000368.5 (MANE Select); 7 bases into the intron before coding-DNA position 1439, C replaced by A.
Molecular consequence: intron variant.
Genome position (GRCh38, 1-based): chr9:132,906,146, G>T on the plus strand (C>A on the coding strand, the complement: TSC1 is on the minus strand). VCF-style: chr9-132906146-G-T. GRCh37 (hg19) VCF-style: chr9-135781533-G-T.
Other names: c.1076-7C>A (NM_001362177.2); c.1286-7C>A (NM_001162427.2); c.1436-7C>A (NM_001162426.2).
Identifiers: ClinVar variation 848395 (VCV000848395.10), dbSNP rs1588311354, ClinGen allele CA916081571.

ClinVar aggregate classification (germline): Conflicting classifications of pathogenicity. Review status: criteria provided, conflicting classifications (1 of 4 stars). 2 submissions from 2 submitters: Uncertain significance (1); Likely benign (1). Last evaluated 2024-02-17.

Conditions:
Tuberous sclerosis 1 (TSC1). Identifiers: Orphanet 805, MedGen C1854465, MONDO:0008612, OMIM 191100.
Tuberous sclerosis syndrome (TSC). Also called: Tuberous Sclerosis Complex; Tuberous sclerosis. Identifiers: Orphanet 805, MedGen C0041341, MONDO:0001734.

gnomAD v4.1: 3 of 1,611,434 alleles (0.00019%); highest among the groups gnomAD compares: Non-Finnish European, 0.00025%; no homozygotes.

Submissions (2):

Labcorp Genetics (formerly Invitae), Labcorp
Classification: Likely benign for Tuberous sclerosis 1. Last evaluated: 2024-02-17. Review status: criteria provided, single submitter. Criteria: Invitae Variant Classification Sherloc (09022015). Collection method: clinical testing. Allele origin: germline.

All of Us Research Program, National Institutes of Health
Classification: Uncertain significance for Tuberous sclerosis syndrome. Last evaluated: 2023-08-15. Review status: criteria provided, single submitter. Criteria: ACMG Guidelines, 2015. Collection method: clinical testing. Allele origin: germline. Inheritance: Autosomal dominant inheritance. Observed: 1 variant allele, 1 heterozygote.
Comment: This variant causes a C to A nucleotide substitution at the -7 position of intron 14 of the TSC1 gene. To our knowledge, functional studies have not been reported for this variant. This variant has not been reported in individuals affected with TSC1-related disorders in the literature. This variant has not been identified in the general population by the Genome Aggregation Database (gnomAD). The available evidence is insufficient to determine the role of this variant in disease conclusively. Therefore, this variant is classified as a Variant of Uncertain Significance.

This study involves interpretation of variants in research participants for the purpose of population health screening. Participant phenotype was not available at the time of variant classification. Additional details can be found in publication PMID: 35346344, PMCID: PMC8962531